The following is an entry in ClinVar:

NM_000275.3(OCA2):c.1408del (p.Ala470fs)

Gene: OCA2 (OCA2 melanosomal transmembrane protein; minus strand). Cytogenetic location: 15q13.1.
Variant type: Deletion.
Coding change: c.1408del on transcript NM_000275.3 (MANE Select); coding-DNA position 1408, one base deleted (G; older notation c.1408delG).
Protein change: p.Ala470fs; shifts the reading frame from alanine 470.
Molecular consequence: frameshift variant.
Genome position (GRCh38, 1-based): chr15:27,983,440, C deleted on the plus strand (G on the coding strand, the reverse complement: OCA2 is on the minus strand). VCF-style (leftmost placement, unchanged base first): chr15-27983439-GC-G. GRCh37 (hg19) VCF-style: chr15-28228585-GC-G.
Other names: c.1336del, p.Ala446fs (NM_001300984.2); short protein forms A446fs, A470fs.
Identifiers: ClinVar variation 3658734 (VCV003658734.3).
Genomic context (GRCh38, chr15:27,983,439, plus strand): 5'-ACATTTGGAGGGTCCCCGATGGCAGTGGCAGCTCCTCCAATGTTTGTGAAGATCACTTCT[GC>G]AATCAGGACTTGTCTTGGATCAAGGTTGAGCACCTCACACAACCTGTCACAAATGGAGGA-3'

ClinVar aggregate classification (germline): Pathogenic. Review status: criteria provided, multiple submitters, no conflicts (2 of 4 stars). 2 submissions from 2 submitters: Pathogenic (2). Last evaluated 2025-10-18.

Conditions:
Tyrosinase-positive oculocutaneous albinism (OCA2). Also called: ALBINISM II; Oculocutaneous albinism type 2; Albinism, oculocutaneous, type II. Identifiers: Orphanet 79432, MedGen C0268495, MONDO:0008746, OMIM 203200.

Submissions (2):

Labcorp Genetics (formerly Invitae), Labcorp
Classification: Pathogenic. Last evaluated: 2025-10-18. Review status: criteria provided, single submitter. Criteria: Invitae Variant Classification Sherloc (09022015). Collection method: clinical testing. Allele origin: germline.
Comment: This sequence change creates a premature translational stop signal (p.Ala470Glnfs*3) in the OCA2 gene. It is expected to result in an absent or disrupted protein product. Loss-of-function variants in OCA2 are known to be pathogenic (PMID: 19865097, 21541274). This variant is not present in population databases (gnomAD no frequency). This variant has not been reported in the literature in individuals affected with OCA2-related conditions. ClinVar contains an entry for this variant (Variation ID: 3658734). For these reasons, this variant has been classified as Pathogenic.

Myriad Genetics, Inc.
Classification: Pathogenic for Tyrosinase-positive oculocutaneous albinism. Last evaluated: 2025-05-05. Review status: criteria provided, single submitter. Criteria: Myriad Autosomal Dominant, Autosomal Recessive and X-Linked Classification Criteria (2023). Collection method: clinical testing. Allele origin: unknown.
Comment: NM_000275.2(OCA2):c.1408delG(A470Qfs*3) is expected to be pathogenic in the context of oculocutaneous albinism, OCA2-related. This variant is predicted to lead to an abnormal or absent protein product due to the creation of a premature termination codon in OCA2, a gene where loss-of-function variants are known to be pathogenic. Please note: this variant was assessed in the context of healthy population screening.

Literature cited by the submitters: PubMed 19865097 (cited by Labcorp Genetics (formerly Invitae), Labcorp); PubMed 21541274 (cited by Labcorp Genetics (formerly Invitae), Labcorp).